The following is an entry in ClinVar:

ClinVar aggregate classification (germline): Uncertain significance (1 of 4 stars; one submission).

Submission:

Ambry Genetics
Classification: Uncertain significance. Last evaluated: 2025-12-02. Review status: criteria provided, single submitter. Criteria: Ambry Variant Classification Scheme 2023. Collection method: clinical testing. Allele origin: germline.
Comment: The p.S348T variant (also known as c.1042T>A), located in coding exon 1 of the TET2 gene, results from a T to A substitution at nucleotide position 1042. The serine at codon 348 is replaced by threonine, an amino acid with similar properties. This amino acid position is conserved. In addition, this alteration is predicted to be tolerated by in silico analysis. Based on the available evidence, the clinical significance of this variant remains unclear.

NM_001127208.3(TET2):c.1042T>A (p.Ser348Thr)

Genes: TET2 (tet methylcytosine dioxygenase 2; plus strand), TET2-AS1 (TET2 antisense RNA 1; minus strand). Cytogenetic location: 4q24.
Variant type: single nucleotide variant.
Coding change: c.1042T>A on transcript NM_001127208.3 (MANE Select); coding-DNA position 1042, T replaced by A.
Protein change: p.Ser348Thr; replaces serine 348 with threonine.
Molecular consequence: missense variant.
Genome position (GRCh38, 1-based): chr4:105,234,984, T>A. VCF-style: chr4-105234984-T-A. GRCh37 (hg19) VCF-style: chr4-106156141-T-A.
Other names: c.1042T>A, p.Ser348Thr (NM_017628.4); short protein forms S348T.
Identifiers: ClinVar variation 4594230 (VCV004594230.1).